The following is an entry in ClinVar:

NM_005918.4(MDH2):c.370C>G (p.Leu124Val)

Gene: MDH2 (malate dehydrogenase 2; plus strand). Cytogenetic location: 7q11.23.
Variant type: single nucleotide variant.
Coding change: c.370C>G on transcript NM_005918.4 (MANE Select); coding-DNA position 370, C replaced by G.
Protein change: p.Leu124Val; replaces leucine 124 with valine.
Molecular consequence: missense variant.
Genome position (GRCh38, 1-based): chr7:76,058,019, C>G. VCF-style: chr7-76058019-C-G. GRCh37 (hg19) VCF-style: chr7-75687337-C-G.
Other names: c.370C>G, p.Leu124Val (NM_001282403.2); c.49C>G, p.Leu17Val (NM_001282404.2); c.370C>G (NM_005918.2); short protein forms L17V, L124V.
Identifiers: ClinVar variation 1517918 (VCV001517918.9), dbSNP rs1585405844, ClinGen allele CA367764283.

ClinVar aggregate classification (germline): Uncertain significance. Review status: criteria provided, multiple submitters, no conflicts (2 of 4 stars). 2 submissions from 2 submitters: Uncertain significance (2). Last evaluated 2024-11-05.

Conditions:
Inborn genetic diseases. Identifiers: MedGen C0950123, MeSH D030342.

gnomAD v4.1: 4 of 1,614,082 alleles (0.00025%); highest among the groups gnomAD compares: Non-Finnish European, 0.00034%; no homozygotes.

Submissions (2):

Labcorp Genetics (formerly Invitae), Labcorp
Classification: Uncertain significance. Last evaluated: 2024-11-05. Review status: criteria provided, single submitter. Criteria: Invitae Variant Classification Sherloc (09022015). Collection method: clinical testing. Allele origin: germline.
Comment: This sequence change replaces leucine, which is neutral and non-polar, with valine, which is neutral and non-polar, at codon 124 of the MDH2 protein (p.Leu124Val). This variant is not present in population databases (gnomAD no frequency). This variant has not been reported in the literature in individuals affected with MDH2-related conditions. ClinVar contains an entry for this variant (Variation ID: 1517918). Invitae Evidence Modeling of protein sequence and biophysical properties (such as structural, functional, and spatial information, amino acid conservation, physicochemical variation, residue mobility, and thermodynamic stability) indicates that this missense variant is not expected to disrupt MDH2 protein function with a negative predictive value of 80%. In summary, the available evidence is currently insufficient to determine the role of this variant in disease. Therefore, it has been classified as a Variant of Uncertain Significance.

Ambry Genetics
Classification: Uncertain significance for Inborn genetic diseases. Last evaluated: 2022-12-12. Review status: criteria provided, single submitter. Criteria: Ambry Variant Classification Scheme 2023. Collection method: clinical testing. Allele origin: germline.
Comment: The p.L124V variant (also known as c.370C>G), located in coding exon 4 of the MDH2 gene, results from a C to G substitution at nucleotide position 370. The leucine at codon 124 is replaced by valine, an amino acid with highly similar properties. This amino acid position is conserved. In addition, the in silico prediction for this alteration is inconclusive. Since supporting evidence is limited at this time, the clinical significance of this alteration remains unclear.